The following is an entry in ClinVar:

NM_000548.5(TSC2):c.411C>T (p.His137=)

Gene: TSC2 (TSC complex subunit 2; plus strand). Cytogenetic location: 16p13.3.
Variant type: single nucleotide variant.
Coding change: c.411C>T on transcript NM_000548.5 (MANE Select); coding-DNA position 411, C replaced by T.
Protein change: p.His137=; no amino-acid change (histidine 137 retained).
Molecular consequence: synonymous variant. On other transcripts: intron variant (1).
Genome position (GRCh38, 1-based): chr16:2,054,370, C>T. VCF-style: chr16-2054370-C-T. GRCh37 (hg19) VCF-style: chr16-2104371-C-T.
Other names: c.411C>T, p.His137= (NM_001077183.3, NM_001114382.3, NM_001363528.2 and 3 more transcripts); c.300C>T, p.His100= (NM_001318827.2); c.264C>T, p.His88= (NM_001318829.2); c.444C>T, p.His148= (NM_001318832.2); c.-1-1826C>T (NM_001318831.2); c.411C>T (NM_000548.4).
Identifiers: ClinVar variation 468066 (VCV000468066.25), dbSNP rs776129896, ClinGen allele CA050522.

ClinVar aggregate classification (germline): Benign/Likely benign. Review status: criteria provided, multiple submitters, no conflicts (2 of 4 stars). 9 submissions from 9 submitters: Benign (3); Likely benign (6). Last evaluated 2026-01-13.

Conditions:
Tuberous sclerosis syndrome (TSC). Also called: Tuberous Sclerosis Complex; Tuberous sclerosis. Identifiers: Orphanet 805, MedGen C0041341, MONDO:0001734.
Tuberous sclerosis 2 (TSC2). Identifiers: Orphanet 805, MedGen C1860707, MONDO:0013199, OMIM 613254.
Hereditary cancer-predisposing syndrome. Also called: Hereditary neoplastic syndrome; Neoplastic Syndromes, Hereditary; Hereditary Cancer Syndrome; Tumor predisposition. Identifiers: Orphanet 140162, MedGen C0027672, MeSH D009386, MONDO:0015356.

Allele frequency attached by ClinVar (database versions not stated): gnomAD 0.00002; gnomAD exomes 0.00002; ExAC 0.00003; TOPMed 0.00003.
gnomAD v4.1: 24 of 1,614,100 alleles (0.0015%); highest among the groups gnomAD compares: Middle Eastern, 0.016%; no homozygotes.

Submissions (9):

Labcorp Genetics (formerly Invitae), Labcorp
Classification: Benign for Tuberous sclerosis 2. Last evaluated: 2026-01-13. Review status: criteria provided, single submitter. Criteria: Invitae Variant Classification Sherloc (09022015). Collection method: clinical testing. Allele origin: germline.

Myriad Genetics, Inc.
Classification: Benign for Tuberous sclerosis 2. Last evaluated: 2025-05-05. Review status: criteria provided, single submitter. Criteria: Myriad Autosomal Dominant, Autosomal Recessive and X-Linked Classification Criteria (2023). Collection method: clinical testing. Allele origin: unknown.
Comment: This variant is considered benign. This variant is a silent/synonymous amino acid change and it is not expected to impact splicing.

Blueprint Genetics
Classification: Likely benign. Last evaluated: 2023-11-27. Review status: criteria provided, single submitter. Criteria: ACMG Guidelines, 2015. Collection method: clinical testing. Allele origin: germline.

All of Us Research Program, National Institutes of Health
Classification: Likely benign for Tuberous sclerosis syndrome. Last evaluated: 2023-08-15. Review status: criteria provided, single submitter. Criteria: ACMG Guidelines, 2015. Collection method: clinical testing. Allele origin: germline. Inheritance: Autosomal dominant inheritance. Observed: 3 variant alleles, 3 heterozygotes.
Comment: This study involves interpretation of variants in research participants for the purpose of population health screening. Participant phenotype was not available at the time of variant classification. Additional details can be found in publication PMID: 35346344, PMCID: PMC8962531

KCCC/NGS Laboratory, Kuwait Cancer Control Center
Classification: Likely benign for Tuberous sclerosis 2. Last evaluated: 2023-07-07. Review status: criteria provided, single submitter. Criteria: ACMG Guidelines, 2015. Collection method: clinical testing. Allele origin: germline. Affected: yes.

Color Diagnostics, LLC DBA Color Health
Classification: Likely benign for Tuberous sclerosis syndrome. Last evaluated: 2022-09-12. Review status: criteria provided, single submitter. Criteria: ACMG Guidelines, 2015. Collection method: clinical testing. Allele origin: germline.

Genetic Services Laboratory, University of Chicago
Classification: Likely benign. Last evaluated: 2021-11-09. Review status: criteria provided, single submitter. Criteria: ACMG Guidelines, 2015. Collection method: clinical testing. Allele origin: germline. Affected: no.

Genome-Nilou Lab
Classification: Benign for Tuberous sclerosis 2. Last evaluated: 2021-11-07. Review status: criteria provided, single submitter. Criteria: ACMG Guidelines, 2015. Collection method: clinical testing. Allele origin: germline. Affected: no.

Ambry Genetics
Classification: Likely benign for Hereditary cancer-predisposing syndrome. Last evaluated: 2016-04-13. Review status: criteria provided, single submitter. Criteria: Ambry Variant Classification Scheme 2023. Collection method: clinical testing. Allele origin: germline.